The following is an entry in ClinVar:

ClinVar aggregate classification (germline): Uncertain significance (1 of 4 stars; one submission).

Conditions:
Brachyolmia-amelogenesis imperfecta syndrome. Also called: PLATYSPONDYLY WITH AMELOGENESIS IMPERFECTA; Tooth agenesis, selective, 6; Dental anomalies and short stature. Identifiers: Orphanet 2899, MedGen C1832594, MONDO:0011018, OMIM 601216. Disease mechanism: loss of function.

gnomAD v4.1: 2 of 1,606,694 alleles (0.00012%); highest among the groups gnomAD compares: African/African-American, 0.0027%; no homozygotes.

Submission:

Labcorp Genetics (formerly Invitae), Labcorp
Classification: Uncertain significance for Brachyolmia-amelogenesis imperfecta syndrome. Last evaluated: 2023-10-23. Review status: criteria provided, single submitter. Criteria: Invitae Variant Classification Sherloc (09022015). Collection method: clinical testing. Allele origin: germline.
Comment: This sequence change replaces histidine, which is basic and polar, with glutamine, which is neutral and polar, at codon 650 of the LTBP3 protein (p.His650Gln). This variant is present in population databases (no rsID available, gnomAD 0.02%). This variant has not been reported in the literature in individuals affected with LTBP3-related conditions. Algorithms developed to predict the effect of missense changes on protein structure and function output the following: SIFT: "Not Available"; PolyPhen-2: "Benign"; Align-GVGD: "Not Available". The glutamine amino acid residue is found in multiple mammalian species, which suggests that this missense change does not adversely affect protein function. In summary, the available evidence is currently insufficient to determine the role of this variant in disease. Therefore, it has been classified as a Variant of Uncertain Significance.

NM_001130144.3(LTBP3):c.1950C>A (p.His650Gln)

Genes: LTBP3 (latent transforming growth factor beta binding protein 3; minus strand), LOC130006032 (ATAC-STARR-seq lymphoblastoid silent region 3535; plus strand). Cytogenetic location: 11q13.1.
Variant type: single nucleotide variant.
Coding change: c.1950C>A on transcript NM_001130144.3 (MANE Select); coding-DNA position 1950, C replaced by A.
Protein change: p.His650Gln; replaces histidine 650 with glutamine.
Molecular consequence: missense variant.
Genome position (GRCh38, 1-based): chr11:65,547,718, G>T on the plus strand (C>A on the coding strand, the complement: LTBP3 is on the minus strand). VCF-style: chr11-65547718-G-T. GRCh37 (hg19) VCF-style: chr11-65315189-G-T.
Other names: c.1599C>A, p.His533Gln (NM_001164266.1); c.1950C>A, p.His650Gln (NM_021070.4); short protein forms H533Q, H650Q.
Identifiers: ClinVar variation 2720782 (VCV002720782.3), dbSNP rs377021846, ClinGen allele CA381271302.
Genomic context (GRCh38, chr11:65,547,718, plus strand): 5'-CCCAGGGCCGCCTCCGCCCTGGCGGCGCTCACCCACGCACGAGCGCCCCCCGGCGCCCAC[G>T]TGCAGGCGGTAGCCGCGGTTGCAGTGGCAATTGTAGGAGCCGCCGGTGTTCATGCAGATG-3'
Protein context (NP_001123616.1, residues 640-660): NCHCNRGYRL[His650Gln]VGAGGRSCVD